The following is an entry in ClinVar:

NM_032221.5(CHD6):c.3675C>G (p.His1225Gln)

Gene: CHD6 (chromodomain helicase DNA binding protein 6; minus strand). Cytogenetic location: 20q12.
Variant type: single nucleotide variant.
Coding change: c.3675C>G on transcript NM_032221.5 (MANE Select); coding-DNA position 3675, C replaced by G.
Protein change: p.His1225Gln; replaces histidine 1225 with glutamine.
Molecular consequence: missense variant.
Genome position (GRCh38, 1-based): chr20:41,450,954, G>C on the plus strand (C>G on the coding strand, the complement: CHD6 is on the minus strand). VCF-style: chr20-41450954-G-C. GRCh37 (hg19) VCF-style: chr20-40079594-G-C.
Other names: short protein forms H1225Q.
Identifiers: ClinVar variation 3770836 (VCV003770836.13).
Genomic context (GRCh38, chr20:41,450,954, plus strand): 5'-GAAGCAGTCTGAGCCGGGCTGCCACCAGGGTATGGGGAGGAGGGACACTCACTTGTTGCA[G>C]TGCTGTTTGAGGTGTTTCTTATAGCCATCATCATGCAAGACCACCTCGGGGTTGCAGGTG-3'
Protein context (NP_115597.3, residues 1215-1235): DDGYKKHLKQ[His1225Gln]CNKVLLRVRM

ClinVar aggregate classification (germline): Likely benign (1 of 4 stars; one submission).

gnomAD v4.1: 3,070 of 1,612,404 alleles (0.19%); highest among the groups gnomAD compares: Non-Finnish European, 0.24%; 6 homozygotes.

Submission:

CeGaT Center for Human Genetics Tuebingen
Classification: Likely benign. Last evaluated: 2025-01-01. Review status: criteria provided, single submitter. Criteria: CeGaT Center For Human Genetics Tuebingen Variant Classification Criteria Version 2. Collection method: clinical testing. Allele origin: germline. Affected: yes. Observed: 1 variant allele.
Comment: CHD6: BS2